The following is an entry in ClinVar:

NM_000152.5(GAA):c.1889-7C>G

Gene: GAA (alpha glucosidase; plus strand). Cytogenetic location: 17q25.3.
Variant type: single nucleotide variant.
Coding change: c.1889-7C>G on transcript NM_000152.5 (MANE Select); 7 bases into the intron before coding-DNA position 1889, C replaced by G.
Molecular consequence: intron variant.
Genome position (GRCh38, 1-based): chr17:80,112,869, C>G. VCF-style: chr17-80112869-C-G. GRCh37 (hg19) VCF-style: chr17-78086668-C-G.
Other names: c.1889-7C>G (NM_001079803.3, NM_001079804.3).
Identifiers: ClinVar variation 1002651 (VCV001002651.10), dbSNP rs765713320, ClinGen allele CA8815542.
Genomic context (GRCh38, chr17:80,112,869, plus strand): 5'-TGGGTCACTTGGCCTGAGCTGGCTCTGCTGCAGCAGCCTGAGGACCAGCCTGACTCTGCC[C>G]TCCCAGAAATCCTGCAGTTTAACCTGCTGGGGGTGCCTCTGGTCGGGGCCGACGTCTGCG-3'

ClinVar aggregate classification (germline): Uncertain significance. Review status: criteria provided, single submitter (1 of 4 stars). 2 submissions from 2 submitters: Uncertain significance (1). 1 of the submissions does not count toward it. Last evaluated 2022-05-21.

Conditions:
Glycogen storage disease, type II (IOPD). Also called: POMPE DISEASE, INFANTILE-ONSET; GLYCOGEN STORAGE DISEASE II, INFANTILE-ONSET; ACID ALPHA-GLUCOSIDASE DEFICIENCY, INFANTILE-ONSET; GAA DEFICIENCY, INFANTILE-ONSET; ACID MALTASE DEFICIENCY, INFANTILE-ONSET; GLYCOGENOSIS, GENERALIZED, CARDIAC FORM. Identifiers: Orphanet 365, MedGen C0017921, MONDO:0009290, OMIM 232300.

Allele frequency attached by ClinVar (database versions not stated): TOPMed below 0.00001; gnomAD exomes 0.00001; ExAC 0.00003.
gnomAD v4.1: 5 of 1,605,910 alleles (0.00031%); highest among the groups gnomAD compares: South Asian, 0.0056%; no homozygotes.

Submissions (2):

Labcorp Genetics (formerly Invitae), Labcorp
Classification: Uncertain significance for Glycogen storage disease, type II. Last evaluated: 2022-05-21. Review status: criteria provided, single submitter. Criteria: Invitae Variant Classification Sherloc (09022015). Collection method: clinical testing. Allele origin: germline.
Comment: This sequence change falls in intron 13 of the GAA gene. It does not directly change the encoded amino acid sequence of the GAA protein. This variant is present in population databases (rs765713320, gnomAD 0.01%). This variant has not been reported in the literature in individuals affected with GAA-related conditions. ClinVar contains an entry for this variant (Variation ID: 1002651). Algorithms developed to predict the effect of sequence changes on RNA splicing suggest that this variant may disrupt the consensus splice site. In summary, the available evidence is currently insufficient to determine the role of this variant in disease. Therefore, it has been classified as a Variant of Uncertain Significance.

Natera, Inc.
Classification: Uncertain significance for Glycogen storage disease type II. Last evaluated: 2021-08-25. Review status: no assertion criteria provided. Collection method: clinical testing. Allele origin: germline. Not counted in ClinVar's aggregate classification.